The following is an entry in ClinVar:

NM_005534.4(IFNGR2):c.48CGC[6] (p.Ala22dup)

Genes: IFNGR2 (interferon gamma receptor 2; plus strand), LOC119266102 (IFNGR2 promoter region; plus strand). Cytogenetic location: 21q22.11.
Variant type: Microsatellite.
Coding change: c.48CGC[6] on transcript NM_005534.4 (MANE Select); six copies in a row of the 3-base unit CGC starting at c.48; the reference has five copies in a row; one copy, 3 bases duplicated.
Protein change: p.Ala22dup; duplicates alanine 22.
Molecular consequence: inframe insertion.
Genome position (GRCh38, 1-based): chr21:33,403,603-33,403,605, CGC duplicated; duplicating any 3 consecutive bases within chr21:33,403,591-33,403,605 gives the same sequence; the position shown is the placement nearest the transcript's 3' end. VCF-style (leftmost placement, unchanged base first): chr21-33403590-T-TCGC. GRCh37 (hg19) VCF-style: chr21-34775896-T-TCGC.
Other names: c.48CGC[6], p.Ala22dup (NM_001329128.2).
Identifiers: ClinVar variation 939013 (VCV000939013.7), dbSNP rs765468464, ClinGen allele CA320132023.

ClinVar aggregate classification (germline): Uncertain significance (1 of 4 stars; one submission).

Conditions:
Immunodeficiency 28 (IMD28). Also called: IFNGR2 DEFICIENCY. Identifiers: Orphanet 319547, Orphanet 319574, MedGen C4013947, MONDO:0013953, OMIM 614889.

Submission:

Labcorp Genetics (formerly Invitae), Labcorp
Classification: Uncertain significance for Immunodeficiency 28. Last evaluated: 2021-08-28. Review status: criteria provided, single submitter. Criteria: Invitae Variant Classification Sherloc (09022015). Collection method: clinical testing. Allele origin: germline.
Comment: This variant, c.60_62dup, results in the insertion of 1 amino acid(s) to the IFNGR2 protein (p.Ala22dup), but otherwise preserves the integrity of the reading frame. The frequency data for this variant in the population databases is considered unreliable, as metrics indicate insufficient coverage at this position in the ExAC database. This variant has not been reported in the literature in individuals affected with IFNGR2-related conditions. Experimental studies and prediction algorithms are not available or were not evaluated, and the functional significance of this variant is currently unknown. In summary, the available evidence is currently insufficient to determine the role of this variant in disease. Therefore, it has been classified as a Variant of Uncertain Significance.